The following is an entry in ClinVar:

ClinVar aggregate classification (germline): Likely benign (1 of 4 stars; one submission).

Submission:

CeGaT Center for Human Genetics Tuebingen
Classification: Likely benign. Last evaluated: 2025-05-01. Review status: criteria provided, single submitter. Criteria: CeGaT Center For Human Genetics Tuebingen Variant Classification Criteria Version 2. Collection method: clinical testing. Allele origin: germline. Affected: yes. Observed: 3 variant alleles.
Comment: PPP2R2B: BS1

NM_181674.3(PPP2R2B):c.75-562AGC[19]

Genes: PPP2R2B (protein phosphatase 2 regulatory subunit Bbeta; minus strand), LOC108660405 (protein phosphatase 2 regulatory subunit Bbeta repeat instability region; plus strand). Cytogenetic location: 5q32.
Variant type: Microsatellite.
Coding change: c.75-562AGC[19] on transcript NM_181674.3; 19 copies in a row of the 3-base unit AGC starting at c.75-562; the reference has ten copies in a row; nine copies, 27 bases duplicated.
Molecular consequence: intron variant.
Genome position (GRCh38, 1-based): chr5:146,878,728-146,878,754, GCTGCTGCTGCTGCTGCTGCTGCTGCT duplicated on the plus strand (AGCAGCAGCAGCAGCAGCAGCAGCAGC on the coding strand, the reverse complement: PPP2R2B is on the minus strand); duplicating any 27 consecutive bases within chr5:146,878,728-146,878,759 gives the same sequence; the position shown is the placement nearest the transcript's 3' end. VCF-style (leftmost placement, unchanged base first): chr5-146878727-A-AGCTGCTGCTGCTGCTGCTGCTGCTGCT. GRCh37 (hg19) VCF-style: chr5-146258290-A-AGCTGCTGCTGCTGCTGCTGCTGCTGCT.
Other names: c.51-562AGC[19] (NM_001271900.2); c.79+176908AGC[19] (NM_181676.3); c.89-177615AGC[19] (NM_001271899.1); c.-48-22174AGC[19] (NM_181678.2); c.10+156412AGC[19] (NM_181677.2).
Identifiers: ClinVar variation 2655889 (VCV002655889.22), dbSNP rs10591869, ClinGen allele CA805283357.